The following is an entry in ClinVar:

ClinVar aggregate classification (germline): Uncertain significance (1 of 4 stars; one submission).

gnomAD v4.1: 5 of 1,558,134 alleles (0.00032%); highest among the groups gnomAD compares: Non-Finnish European, 0.00043%; no homozygotes.

Submission:

Labcorp Genetics (formerly Invitae), Labcorp
Classification: Uncertain significance. Last evaluated: 2025-06-12. Review status: criteria provided, single submitter. Criteria: Invitae Variant Classification Sherloc (09022015). Collection method: clinical testing. Allele origin: germline.
Comment: This sequence change replaces valine, which is neutral and non-polar, with leucine, which is neutral and non-polar, at codon 53 of the NLRP1 protein (p.Val53Leu). This variant is not present in population databases (gnomAD no frequency). This variant has not been reported in the literature in individuals affected with NLRP1-related conditions. An algorithm developed to predict the effect of missense changes on protein structure and function outputs the following: PolyPhen-2: "Possibly Damaging". The leucine amino acid residue is found in multiple mammalian species, which suggests that this missense change does not adversely affect protein function. In summary, the available evidence is currently insufficient to determine the role of this variant in disease. Therefore, it has been classified as a Variant of Uncertain Significance.

NM_033004.4(NLRP1):c.157G>C (p.Val53Leu)

Gene: NLRP1 (NLR family pyrin domain containing 1; minus strand). Cytogenetic location: 17p13.2.
Variant type: single nucleotide variant.
Coding change: c.157G>C on transcript NM_033004.4 (MANE Select); coding-DNA position 157, G replaced by C.
Protein change: p.Val53Leu; replaces valine 53 with leucine.
Molecular consequence: missense variant.
Genome position (GRCh38, 1-based): chr17:5,583,801, C>G on the plus strand (G>C on the coding strand, the complement: NLRP1 is on the minus strand). VCF-style: chr17-5583801-C-G. GRCh37 (hg19) VCF-style: chr17-5487121-C-G.
Other names: c.157G>C, p.Val53Leu (NM_001033053.3, NM_014922.5, NM_033006.4 and 1 more transcripts); short protein forms V53L.
Identifiers: ClinVar variation 4773691 (VCV004773691.1).